The following is an entry in ClinVar:

NM_002074.5(GNB1):c.891G>T (p.Trp297Cys)

Gene: GNB1 (G protein subunit beta 1; minus strand). Cytogenetic location: 1p36.33.
Variant type: single nucleotide variant.
Coding change: c.891G>T on transcript NM_002074.5 (MANE Select); coding-DNA position 891, G replaced by T.
Protein change: p.Trp297Cys; replaces tryptophan 297 with cysteine.
Molecular consequence: missense variant.
Genome position (GRCh38, 1-based): chr1:1,789,078, C>A on the plus strand (G>T on the coding strand, the complement: GNB1 is on the minus strand). VCF-style: chr1-1789078-C-A. GRCh37 (hg19) VCF-style: chr1-1720517-C-A.
Other names: c.591G>T, p.Trp197Cys (NM_001282538.2); c.891G>T, p.Trp297Cys (NM_001282539.2); short protein forms W197C, W297C.
Identifiers: ClinVar variation 1695873 (VCV001695873.2), dbSNP rs2100479868, ClinGen allele CA337903386.

ClinVar aggregate classification (germline): Uncertain significance (1 of 4 stars; one submission).

Submission:

GeneDx
Classification: Uncertain significance. Last evaluated: 2022-01-07. Review status: criteria provided, single submitter. Criteria: GeneDx Variant Classification Process June 2021. Collection method: clinical testing. Allele origin: germline. Affected: yes.
Comment: Not observed at significant frequency in large population cohorts (gnomAD); In silico analysis supports that this missense variant has a deleterious effect on protein structure/function; Has not been previously published as pathogenic or benign to our knowledge